The following is an entry in ClinVar:

ClinVar aggregate classification (germline): Conflicting classifications of pathogenicity. Review status: criteria provided, conflicting classifications (1 of 4 stars). 2 submissions from 2 submitters: Uncertain significance (1); Benign (1). Last evaluated 2025-09-15.

Allele frequency attached by ClinVar (database versions not stated): ExAC 0.00001; gnomAD exomes 0.00001.
gnomAD v4.1: 8 of 1,611,872 alleles (0.0005%); highest among the groups gnomAD compares: Middle Eastern, 0.016%; no homozygotes.

Submissions (2):

Labcorp Genetics (formerly Invitae), Labcorp
Classification: Benign. Last evaluated: 2025-09-15. Review status: criteria provided, single submitter. Criteria: Invitae Variant Classification Sherloc (09022015). Collection method: clinical testing. Allele origin: germline.

GeneDx
Classification: Uncertain significance. Last evaluated: 2022-10-25. Review status: criteria provided, single submitter. Criteria: GeneDx Variant Classification Process June 2021. Collection method: clinical testing. Allele origin: germline. Affected: yes.
Comment: Not observed at significant frequency in large population cohorts (gnomAD); In silico analysis supports that this missense variant does not alter protein structure/function; Has not been previously published as pathogenic or benign to our knowledge

NM_014727.3(KMT2B):c.2081G>A (p.Arg694Gln)

Gene: KMT2B (lysine methyltransferase 2B; plus strand). Cytogenetic location: 19q13.12.
Variant type: single nucleotide variant.
Coding change: c.2081G>A on transcript NM_014727.3 (MANE Select); coding-DNA position 2081, G replaced by A.
Protein change: p.Arg694Gln; replaces arginine 694 with glutamine.
Molecular consequence: missense variant.
Genome position (GRCh38, 1-based): chr19:35,721,428, G>A. VCF-style: chr19-35721428-G-A. GRCh37 (hg19) VCF-style: chr19-36212330-G-A.
Other names: short protein forms R694Q.
Identifiers: ClinVar variation 2500636 (VCV002500636.4), dbSNP rs745812917, ClinGen allele CA9384342.